The following is an entry in ClinVar:

NM_000313.4(PROS1):c.1229C>A (p.Pro410His)

Gene: PROS1 (protein S; minus strand). Cytogenetic location: 3q11.1.
Variant type: single nucleotide variant.
Coding change: c.1229C>A on transcript NM_000313.4 (MANE Select); coding-DNA position 1229, C replaced by A.
Protein change: p.Pro410His; replaces proline 410 with histidine.
Molecular consequence: missense variant.
Genome position (GRCh38, 1-based): chr3:93,886,430, G>T on the plus strand (C>A on the coding strand, the complement: PROS1 is on the minus strand). VCF-style: chr3-93886430-G-T. GRCh37 (hg19) VCF-style: chr3-93605274-G-T.
Other names: c.1325C>A, p.Pro442His (NM_001314077.2); short protein forms P410H, P442H.
Identifiers: ClinVar variation 2415518 (VCV002415518.2), dbSNP rs199469495, ClinGen allele CA2503245.

ClinVar aggregate classification (germline): Uncertain significance (1 of 4 stars; one submission).

Conditions:
Thrombophilia due to protein S deficiency, autosomal recessive (THPH6). Identifiers: Orphanet 743, MedGen C3281092, MONDO:0013791, OMIM 614514. Disease mechanism: loss of function.

Allele frequency attached by ClinVar (database versions not stated): gnomAD exomes 0.00001; TOPMed 0.00001; gnomAD 0.00003; ExAC 0.00008.
gnomAD v4.1: 21 of 1,613,194 alleles (0.0013%); highest among the groups gnomAD compares: East Asian, 0.042%; no homozygotes.

Submission:

Labcorp Genetics (formerly Invitae), Labcorp
Classification: Uncertain significance for Thrombophilia due to protein S deficiency, autosomal recessive. Last evaluated: 2022-10-16. Review status: criteria provided, single submitter. Criteria: Invitae Variant Classification Sherloc (09022015). Collection method: clinical testing. Allele origin: germline.
Comment: This sequence change replaces proline, which is neutral and non-polar, with histidine, which is basic and polar, at codon 410 of the PROS1 protein (p.Pro410His). This variant is present in population databases (rs199469495, gnomAD 0.09%). This missense change has been observed in individual(s) with deep vein thrombosis (PMID: 23813890). Advanced modeling of protein sequence and biophysical properties (such as structural, functional, and spatial information, amino acid conservation, physicochemical variation, residue mobility, and thermodynamic stability) performed at Invitae indicates that this missense variant is not expected to disrupt PROS1 protein function. Experimental studies are conflicting or provide insufficient evidence to determine the effect of this variant on PROS1 function (PMID: 23813890). In summary, the available evidence is currently insufficient to determine the role of this variant in disease. Therefore, it has been classified as a Variant of Uncertain Significance.

Literature cited by the submitters: PubMed 23813890.